The following is an entry in ClinVar:

ClinVar aggregate classification (germline): Likely benign. Review status: criteria provided, multiple submitters, no conflicts (2 of 4 stars). 3 submissions from 3 submitters: Likely benign (2). 1 of the submissions does not count toward it. Last evaluated 2025-01-10.

Conditions:
DDX41-related disorder. Also called: DDX41-related condition.
Inborn genetic diseases. Identifiers: MedGen C0950123, MeSH D030342.

gnomAD v4.1: 7 of 1,614,180 alleles (0.00043%); highest among the groups gnomAD compares: East Asian, 0.0022%; no homozygotes.

Submissions (3):

Ambry Genetics
Classification: Likely benign for Inborn genetic diseases. Last evaluated: 2025-01-10. Review status: criteria provided, single submitter. Criteria: Ambry Variant Classification Scheme 2023. Collection method: clinical testing. Allele origin: germline.

Blueprint Genetics
Classification: Likely benign. Last evaluated: 2024-05-07. Review status: criteria provided, single submitter. Criteria: ACMG Guidelines, 2015. Collection method: clinical testing. Allele origin: germline.

PreventionGenetics, part of Exact Sciences
Classification: Likely benign for DDX41-related condition. Last evaluated: 2024-03-06. Review status: no assertion criteria provided. Collection method: clinical testing. Allele origin: germline. Not counted in ClinVar's aggregate classification.
Comment: This variant is classified as likely benign based on ACMG/AMP sequence variant interpretation guidelines (Richards et al. 2015 PMID: 25741868, with internal and published modifications).

NM_016222.4(DDX41):c.411G>A (p.Thr137=)

Gene: DDX41 (DEAD-box helicase 41; minus strand). Cytogenetic location: 5q35.3.
Variant type: single nucleotide variant.
Coding change: c.411G>A on transcript NM_016222.4 (MANE Select); coding-DNA position 411, G replaced by A.
Protein change: p.Thr137=; no amino-acid change (threonine 137 retained).
Molecular consequence: synonymous variant.
Genome position (GRCh38, 1-based): chr5:177,515,952, C>T on the plus strand (G>A on the coding strand, the complement: DDX41 is on the minus strand). VCF-style: chr5-177515952-C-T. GRCh37 (hg19) VCF-style: chr5-176942953-C-T.
Other names: c.33G>A, p.Thr11= (NM_001321732.2, NM_001321830.2); c.411G>A (NM_016222.2).
Identifiers: ClinVar variation 3353155 (VCV003353155.3).
Genomic context (GRCh38, chr5:177,515,952, plus strand): 5'-TCCTAAGCAAGGGCAACTGCAGACTGTACAGACATACCTGGTTTTGATGGGGTCATCATA[C>T]GTAATGCCCTTAGCCATCTCCTTCACTGACATCAATGCTGAAGAGAGAGACATGGCTCAG-3'
Protein context (NP_057306.2, residues 127-147): MSVKEMAKGI[Thr137=]YDDPIKTSWT